The following is an entry in ClinVar:

ClinVar aggregate classification (germline): Pathogenic (1 of 4 stars; one submission).

Submission:

Ambry Genetics
Classification: Pathogenic. Last evaluated: 2026-07-06. Review status: criteria provided, single submitter. Criteria: Ambry Variant Classification Scheme 2023. Collection method: clinical testing. Allele origin: germline.
Comment: The p.Q888* variant (also known as c.2662C>T), located in coding exon 1 of the MLH3 gene, results from a C to T substitution at nucleotide position 2662. This changes the amino acid from a glutamine to a stop codon within coding exon 1. This variant is considered to be rare based on population cohorts in the Genome Aggregation Database (gnomAD). This alteration is expected to result in loss of function by premature protein truncation or nonsense-mediated mRNA decay. As such, this alteration is interpreted as a disease-causing mutation.

NM_001040108.2(MLH3):c.2662C>T (p.Gln888Ter)

Gene: MLH3 (mutL homolog 3; minus strand). Cytogenetic location: 14q24.3.
Variant type: single nucleotide variant.
Coding change: c.2662C>T on transcript NM_001040108.2 (MANE Select); coding-DNA position 2662, C replaced by T.
Protein change: p.Gln888Ter; replaces glutamine 888 with a stop codon.
Molecular consequence: nonsense.
Genome position (GRCh38, 1-based): chr14:75,046,994, G>A on the plus strand (C>T on the coding strand, the complement: MLH3 is on the minus strand). VCF-style: chr14-75046994-G-A. GRCh37 (hg19) VCF-style: chr14-75513697-G-A.
Other names: c.2662C>T, p.Gln888Ter (NM_014381.3); short protein forms Q888*.
Identifiers: ClinVar variation 5024557 (VCV005024557.1).